The following is an entry in ClinVar:

NM_000868.4(HTR2C):c.366A>G (p.Leu122=)

Gene: HTR2C (5-hydroxytryptamine receptor 2C; plus strand). Cytogenetic location: Xq23.
Variant type: single nucleotide variant.
Coding change: c.366A>G on transcript NM_000868.4 (MANE Select); coding-DNA position 366, A replaced by G.
Protein change: p.Leu122=; no amino-acid change (leucine 122 retained).
Molecular consequence: synonymous variant.
Genome position (GRCh38, 1-based): chrX:114,848,019, A>G. VCF-style: chrX-114848019-A-G. GRCh37 (hg19) VCF-style: chrX-114082582-A-G.
Other names: c.366A>G, p.Leu122= (NM_001256760.3, NM_001256761.3).
Identifiers: ClinVar variation 3030736 (VCV003030736.2), dbSNP rs147162016, ClinGen allele CA10495454.

ClinVar aggregate classification (germline): Likely benign (0 of 4 stars; one submission).

Conditions:
HTR2C-related disorder. Also called: HTR2C-related condition.

Allele frequency attached by ClinVar (database versions not stated): ExAC 0.00001; TOPMed 0.00002; gnomAD exomes 0.00005; ESP Exome Variant Server 0.00009.
gnomAD v4.1: 49 of 1,206,628 alleles (0.0041%); highest among the groups gnomAD compares: Non-Finnish European, 0.0054%; no homozygotes.

Submission:

PreventionGenetics, part of Exact Sciences
Classification: Likely benign for HTR2C-related condition. Last evaluated: 2022-11-16. Review status: no assertion criteria provided. Collection method: clinical testing. Allele origin: germline.
Comment: This variant is classified as likely benign based on ACMG/AMP sequence variant interpretation guidelines (Richards et al. 2015 PMID: 25741868, with internal and published modifications).